The following is an entry in ClinVar:

NM_001367871.1(FBRSL1):c.305T>A (p.Leu102Gln)

Gene: FBRSL1 (fibrosin like 1; plus strand). Cytogenetic location: 12q24.33.
Variant type: single nucleotide variant.
Coding change: c.305T>A on transcript NM_001367871.1 (MANE Select); coding-DNA position 305, T replaced by A.
Protein change: p.Leu102Gln; replaces leucine 102 with glutamine.
Molecular consequence: missense variant. On other transcripts: non-coding transcript variant (1).
Genome position (GRCh38, 1-based): chr12:132,508,166, T>A. VCF-style: chr12-132508166-T-A. GRCh37 (hg19) VCF-style: chr12-133084752-T-A.
Other names: c.305T>A, p.Leu102Gln (NM_001142641.2, NM_001382739.1, NM_001382740.1 and 2 more transcripts); c.8T>A, p.Leu3Gln (NM_001382742.1); short protein forms L102Q, L3Q.
Identifiers: ClinVar variation 4874996 (VCV004874996.2).

ClinVar aggregate classification (germline): Uncertain significance (1 of 4 stars; one submission).

Submission:

CeGaT Center for Human Genetics Tuebingen
Classification: Uncertain significance. Last evaluated: 2026-05-01. Review status: criteria provided, single submitter. Criteria: CeGaT Center For Human Genetics Tuebingen Variant Classification Criteria Version 2. Collection method: clinical testing. Allele origin: germline. Affected: yes. Observed: 1 variant allele.
Comment: FBRSL1: PM2